The following is an entry in ClinVar:

NM_021930.6(RINT1):c.1925T>C (p.Met642Thr)

Genes: EFCAB10 (EF-hand calcium binding domain 10; minus strand), RINT1 (RAD50 interactor 1; plus strand). Cytogenetic location: 7q22.3.
Variant type: single nucleotide variant.
Coding change: c.1925T>C on transcript NM_021930.6 (MANE Select); coding-DNA position 1925, T replaced by C.
Protein change: p.Met642Thr; replaces methionine 642 with threonine.
Molecular consequence: missense variant. On other transcripts: 3 prime UTR variant (3), non-coding transcript variant (1).
Genome position (GRCh38, 1-based): chr7:105,565,315, T>C. VCF-style: chr7-105565315-T-C. GRCh37 (hg19) VCF-style: chr7-105205762-T-C.
Other names: c.*132A>G (NM_001355526.2); c.*234A>G (NM_001355530.2); c.*87A>G (NM_001355531.2); c.1691T>C, p.Met564Thr (NM_001346599.2); c.902T>C, p.Met301Thr (NM_001346600.2, NM_001346603.2); c.1001T>C, p.Met334Thr (NM_001346601.2); short protein forms M334T, M642T, M564T, M301T.
Identifiers: ClinVar variation 2622898 (VCV002622898.2), dbSNP rs764854638, ClinGen allele CA4426813.

ClinVar aggregate classification (germline): Uncertain significance (1 of 4 stars; one submission).

gnomAD v4.1: 24 of 1,613,754 alleles (0.0015%); highest among the groups gnomAD compares: South Asian, 0.0011%; no homozygotes.

Submission:

Ambry Genetics
Classification: Uncertain significance. Last evaluated: 2023-08-07. Review status: criteria provided, single submitter. Criteria: Ambry Variant Classification Scheme 2023. Collection method: clinical testing. Allele origin: germline.
Comment: The p.M642T variant (also known as c.1925T>C), located in coding exon 13 of the RINT1 gene, results from a T to C substitution at nucleotide position 1925. The methionine at codon 642 is replaced by threonine, an amino acid with similar properties. This amino acid position is highly conserved in available vertebrate species. In addition, this alteration is predicted to be tolerated by in silico analysis. The evidence for this gene-disease relationship is limited; therefore, the clinical significance of this alteration is unclear.